The following is an entry in ClinVar:

ClinVar aggregate classification (germline): Likely pathogenic (1 of 4 stars; one submission).

Conditions:
Muscular dystrophy-dystroglycanopathy (congenital with impaired intellectual development), type B, 2. Also called: MUSCULAR DYSTROPHY, CONGENITAL, POMT2-RELATED; Muscular dystrophy-dystroglycanopathy (congenital with intellectual disability), type B2. Identifiers: MedGen C3150416, MONDO:0013160, OMIM 613156.
Autosomal recessive limb-girdle muscular dystrophy type 2N. Also called: MUSCULAR DYSTROPHY-DYSTROGLYCANOPATHY, LIMB-GIRDLE, POMT2-RELATED; Muscular dystrophy-dystroglycanopathy (limb-girdle), type C, 2. Identifiers: Orphanet 206559, MedGen C3150418, MONDO:0013162, OMIM 613158.
Muscular dystrophy-dystroglycanopathy (congenital with brain and eye anomalies), type A2. Also called: MUSCULAR DYSTROPHY-DYSTROGLYCANOPATHY (CONGENITAL WITH BRAIN AND EYE ANOMALIES), TYPE A, 2; WALKER-WARBURG SYNDROME OR MUSCLE-EYE-BRAIN DISEASE, POMT2-RELATED. Identifiers: Orphanet 588, Orphanet 899, MedGen C3150411, MONDO:0013154, OMIM 613150.

Submission:

Labcorp Genetics (formerly Invitae), Labcorp
Classification: Likely pathogenic for Muscular dystrophy-dystroglycanopathy (congenital with impaired intellectual development), type B, 2; Muscular dystrophy-dystroglycanopathy (congenital with brain and eye anomalies), type A2; Autosomal recessive limb-girdle muscular dystrophy type 2N. Last evaluated: 2025-03-05. Review status: criteria provided, single submitter. Criteria: Invitae Variant Classification Sherloc (09022015). Collection method: clinical testing. Allele origin: germline.
Comment: This sequence change affects a splice site in intron 4 of the POMT2 gene. It is expected to disrupt RNA splicing. Variants that disrupt the donor or acceptor splice site typically lead to a loss of protein function (PMID: 16199547), and loss-of-function variants in POMT2 are known to be pathogenic (PMID: 15894594). This variant is not present in population databases (gnomAD no frequency). Disruption of this splice site has been observed in individual(s) with cobblestone lissencephaly (PMID: 22323514). This variant is also known as c.548-2dalA. Algorithms developed to predict the effect of sequence changes on RNA splicing suggest that this variant may disrupt the consensus splice site. In summary, the currently available evidence indicates that the variant is pathogenic, but additional data are needed to prove that conclusively. Therefore, this variant has been classified as Likely Pathogenic.

Literature cited by the submitters: PubMed 16199547; PubMed 15894594; PubMed 22323514.

NM_013382.7(POMT2):c.548-2del

Gene: POMT2 (protein O-mannosyltransferase 2; minus strand). Cytogenetic location: 14q24.3.
Variant type: Deletion.
Coding change: c.548-2del on transcript NM_013382.7 (MANE Select); the canonical splice acceptor site of the intron before coding-DNA position 548, one base deleted (A; older notation c.548-2delA).
Molecular consequence: splice acceptor variant.
Genome position (GRCh38, 1-based): chr14:77,302,945, T deleted on the plus strand (A on the coding strand, the reverse complement: POMT2 is on the minus strand). VCF-style (leftmost placement, unchanged base first): chr14-77302944-CT-C. GRCh37 (hg19) VCF-style: chr14-77769287-CT-C.
Identifiers: ClinVar variation 4783778 (VCV004783778.1).